The following is an entry in ClinVar:

NM_004360.5(CDH1):c.1986C>G (p.Asp662Glu)

Gene: CDH1 (cadherin 1; plus strand). Cytogenetic location: 16q22.1.
Variant type: single nucleotide variant.
Coding change: c.1986C>G on transcript NM_004360.5 (MANE Select); coding-DNA position 1986, C replaced by G.
Protein change: p.Asp662Glu; replaces aspartic acid 662 with glutamic acid.
Molecular consequence: missense variant.
Genome position (GRCh38, 1-based): chr16:68,823,448, C>G. VCF-style: chr16-68823448-C-G. GRCh37 (hg19) VCF-style: chr16-68857351-C-G.
Other names: c.1803C>G, p.Asp601Glu (NM_001317184.2); c.438C>G, p.Asp146Glu (NM_001317185.2); c.21C>G, p.Asp7Glu (NM_001317186.2); short protein forms D146E, D662E, D7E, D601E.
Identifiers: ClinVar variation 5034008 (VCV005034008.1).

ClinVar aggregate classification (germline): Uncertain significance (1 of 4 stars; one submission).

Conditions:
Hereditary cancer-predisposing syndrome. Also called: Neoplastic Syndromes, Hereditary; Tumor predisposition; Hereditary neoplastic syndrome; Hereditary Cancer Syndrome. Identifiers: Orphanet 140162, MedGen C0027672, MeSH D009386, MONDO:0015356.

Submission:

Ambry Genetics
Classification: Uncertain significance for Hereditary cancer-predisposing syndrome. Last evaluated: 2026-08-04. Review status: criteria provided, single submitter. Criteria: Ambry Variant Classification Scheme 2023. Collection method: clinical testing. Allele origin: germline.
Comment: The p.D662E variant (also known as c.1986C>G), located in coding exon 13 of the CDH1 gene, results from a C to G substitution at nucleotide position 1986. The aspartic acid at codon 662 is replaced by glutamic acid, an amino acid with highly similar properties. This amino acid position is conserved. In addition, this alteration is predicted to be tolerated by in silico analysis. Based on the available evidence, the clinical significance of this variant remains unclear.